The following is an entry in ClinVar:

NM_005055.5(RAPSN):c.1090G>A (p.Gly364Ser)

Gene: RAPSN (receptor associated protein of the synapse; minus strand). Cytogenetic location: 11p11.2.
Variant type: single nucleotide variant.
Coding change: c.1090G>A on transcript NM_005055.5 (MANE Select); coding-DNA position 1090, G replaced by A.
Protein change: p.Gly364Ser; replaces glycine 364 with serine.
Molecular consequence: missense variant.
Genome position (GRCh38, 1-based): chr11:47,438,808, C>T on the plus strand (G>A on the coding strand, the complement: RAPSN is on the minus strand). VCF-style: chr11-47438808-C-T. GRCh37 (hg19) VCF-style: chr11-47460359-C-T.
Other names: c.913G>A, p.Gly305Ser (NM_032645.5); short protein forms G364S, G305S.
Identifiers: ClinVar variation 1428667 (VCV001428667.8), dbSNP rs372865599, ClinGen allele CA5976505.

ClinVar aggregate classification (germline): Uncertain significance. Review status: criteria provided, multiple submitters, no conflicts (2 of 4 stars). 3 submissions from 3 submitters: Uncertain significance (3). Last evaluated 2023-07-05.

Conditions:
Congenital myasthenic syndrome 11. Also called: Myasthenic syndrome, congenital, 11, associated with acetylcholine receptor deficiency; MYASTHENIC SYNDROME, CONGENITAL, Ie. Identifiers: Orphanet 590, MedGen C4225367, MONDO:0014588, OMIM 616326.
Fetal akinesia deformation sequence 2. Identifiers: MedGen C4760576, MONDO:0100102, OMIM 618388.
Fetal akinesia deformation sequence 1 (FADS1). Also called: Pena-Shokeir syndrome type I; Fetal akinesia sequence. Identifiers: Orphanet 994, MedGen C1276035, MONDO:0100101, OMIM 208150, HP:0001989.
Inborn genetic diseases. Identifiers: MedGen C0950123, MeSH D030342.

Allele frequency attached by ClinVar (database versions not stated): gnomAD exomes 0.00001 and 0.00002; ExAC 0.00003; TOPMed 0.00003; gnomAD 0.00004.
gnomAD v4.1: 31 of 1,573,448 alleles (0.002%); highest among the groups gnomAD compares: Non-Finnish European, 0.0025%; no homozygotes.

Submissions (3):

Ambry Genetics
Classification: Uncertain significance for Inborn genetic diseases. Last evaluated: 2023-07-05. Review status: criteria provided, single submitter. Criteria: Ambry Variant Classification Scheme 2023. Collection method: clinical testing. Allele origin: germline.

Labcorp Genetics (formerly Invitae), Labcorp
Classification: Uncertain significance for Congenital myasthenic syndrome 11; Fetal akinesia deformation sequence 1. Last evaluated: 2022-09-19. Review status: criteria provided, single submitter. Criteria: Invitae Variant Classification Sherloc (09022015). Collection method: clinical testing. Allele origin: germline.
Comment: This sequence change replaces glycine, which is neutral and non-polar, with serine, which is neutral and polar, at codon 364 of the RAPSN protein (p.Gly364Ser). The frequency data for this variant in the population databases is considered unreliable, as metrics indicate poor data quality at this position in the gnomAD database. This variant has not been reported in the literature in individuals affected with RAPSN-related conditions. ClinVar contains an entry for this variant (Variation ID: 1428667). Advanced modeling of protein sequence and biophysical properties (such as structural, functional, and spatial information, amino acid conservation, physicochemical variation, residue mobility, and thermodynamic stability) has been performed at Invitae for this missense variant, however the output from this modeling did not meet the statistical confidence thresholds required to predict the impact of this variant on RAPSN protein function. In summary, the available evidence is currently insufficient to determine the role of this variant in disease. Therefore, it has been classified as a Variant of Uncertain Significance.

Fulgent Genetics
Classification: Uncertain significance for Congenital myasthenic syndrome 11; Fetal akinesia deformation sequence 2. Last evaluated: 2021-07-08. Review status: criteria provided, single submitter. Criteria: ACMG Guidelines, 2015. Collection method: clinical testing. Allele origin: unknown.